The following is an entry in ClinVar:

ClinVar aggregate classification (germline): Conflicting classifications of pathogenicity. Review status: criteria provided, conflicting classifications (1 of 4 stars). 3 submissions from 3 submitters: Uncertain significance (2); Likely benign (1). Last evaluated 2026-04-17.

Conditions:
Hereditary cancer-predisposing syndrome. Also called: Hereditary Cancer Syndrome; Neoplastic Syndromes, Hereditary; Hereditary neoplastic syndrome; Tumor predisposition. Identifiers: Orphanet 140162, MedGen C0027672, MeSH D009386, MONDO:0015356.
Ataxia-telangiectasia syndrome (AT). Also called: LOUIS-BAR SYNDROME; Ataxia-telangiectasia, complementation group E; Ataxia telangiectasia (A-T); Cerebello-oculocutaneous telangiectasia; Immunodeficiency with ataxia telangiectasia; Ataxia-telangiectasia, complementation group D. Identifiers: Orphanet 100, MedGen C0004135, MONDO:0008840, OMIM 208900.

gnomAD v4.1: 1 of 1,613,630 alleles (0.000062%); highest among the groups gnomAD compares: Middle Eastern, 0.017%; no homozygotes.

Submissions (3):

Ambry Genetics
Classification: Likely benign for Hereditary cancer-predisposing syndrome. Last evaluated: 2026-04-17. Review status: criteria provided, single submitter. Criteria: Ambry Variant Classification Scheme 2023. Collection method: clinical testing. Allele origin: germline.

Labcorp Genetics (formerly Invitae), Labcorp
Classification: Uncertain significance for Ataxia-telangiectasia syndrome. Last evaluated: 2023-12-08. Review status: criteria provided, single submitter. Criteria: Invitae Variant Classification Sherloc (09022015). Collection method: clinical testing. Allele origin: germline.
Comment: This sequence change replaces isoleucine, which is neutral and non-polar, with methionine, which is neutral and non-polar, at codon 265 of the ATM protein (p.Ile265Met). This variant is present in population databases (no rsID available, gnomAD 0.0009%). This variant has not been reported in the literature in individuals affected with ATM-related conditions. ClinVar contains an entry for this variant (Variation ID: 1686470). An algorithm developed to predict the effect of missense changes on protein structure and function (PolyPhen-2) suggests that this variant is likely to be disruptive. In summary, the available evidence is currently insufficient to determine the role of this variant in disease. Therefore, it has been classified as a Variant of Uncertain Significance.

Mendelics
Classification: Uncertain significance. Last evaluated: 2022-05-04. Review status: criteria provided, single submitter. Criteria: Mendelics Assertion Criteria 2019. Collection method: clinical testing. Allele origin: germline.

NM_000051.4(ATM):c.795T>G (p.Ile265Met)

Gene: ATM (ATM serine/threonine kinase; plus strand). Cytogenetic location: 11q22.3.
Variant type: single nucleotide variant.
Coding change: c.795T>G on transcript NM_000051.4 (MANE Select); coding-DNA position 795, T replaced by G.
Protein change: p.Ile265Met; replaces isoleucine 265 with methionine.
Molecular consequence: missense variant.
Genome position (GRCh38, 1-based): chr11:108,244,920, T>G. VCF-style: chr11-108244920-T-G. GRCh37 (hg19) VCF-style: chr11-108115647-T-G.
Other names: c.795T>G, p.Ile265Met (NM_001351834.2); c.795T>G (NM_000051.3); short protein forms I265M.
Identifiers: ClinVar variation 1686470 (VCV001686470.5), dbSNP rs1290222131, ClinGen allele CA382529358.